The following is an entry in ClinVar:

ClinVar aggregate classification (germline): Conflicting classifications of pathogenicity. Review status: criteria provided, conflicting classifications (1 of 4 stars). 5 submissions from 5 submitters: Uncertain significance (3); Likely benign (1). 1 of the submissions does not count toward it. Last evaluated 2026-06-10.

Conditions:
PDGFRB-related disorder. Also called: PDGFRB-related condition.
Inborn genetic diseases. Identifiers: MedGen C0950123, MeSH D030342.
Infantile myofibromatosis (IMF). Also called: Congenital generalized fibromatosis. Identifiers: Orphanet 2591, MedGen C0432284, MONDO:0016824.
Skeletal overgrowth-craniofacial dysmorphism-hyperelastic skin-white matter lesions syndrome. Also called: SKELETAL OVERGROWTH WITH FACIAL DYSMORPHISM, HYPERELASTIC SKIN, WHITE MATTER LESIONS, AND NEUROLOGIC DETERIORATION; Kosaki overgrowth syndrome. Identifiers: Orphanet 477831, MedGen C4225270, MONDO:0014704, OMIM 616592.
Basal ganglia calcification, idiopathic, 4 (PFBC4). Also called: Familial Idiopathic Basal Ganglia Calcification 4; PRIMARY FAMILIAL BRAIN CALCIFICATION 4, AUTOSOMAL DOMINANT. Identifiers: Orphanet 1980, MedGen C3554321, MONDO:0014004, OMIM 615007.
Acroosteolysis-keloid-like lesions-premature aging syndrome. Also called: Premature aging syndrome, Penttinen type; Prematurely aged appearance, delayed bone maturation, acro-osteolysis, and brachydactyly; Progeroid syndrome, Penttinen type. Identifiers: Orphanet 363665, MedGen C1866182, MONDO:0011150, OMIM 601812.

Allele frequency attached by ClinVar (database versions not stated): TOPMed 0.00002; gnomAD exomes 0.00001; ExAC 0.00002; gnomAD 0.00002.
gnomAD v4.1: 14 of 1,614,056 alleles (0.00087%); highest among the groups gnomAD compares: Admixed American, 0.0017%; no homozygotes.

Submissions (5):

Women's Health and Genetics/Laboratory Corporation of America, LabCorp
Classification: Uncertain significance. Last evaluated: 2026-06-10. Review status: criteria provided, single submitter. Criteria: LabCorp Variant Classification Summary - May 2015. Collection method: clinical testing. Allele origin: germline.
Comment: Variant summary: PDGFRB c.542G>C (p.Gly181Ala) results in a non-conservative amino acid change in the encoded protein sequence. Algorithms developed to predict the effect of missense changes on protein structure and function are either unavailable or do not agree on the potential impact of this missense change. The variant allele was found at a frequency of 1.2e-05 in 251478 control chromosomes. The available data on variant occurrences in the general population are insufficient to allow any conclusion about variant significance. To our knowledge, no occurrence of c.542G>C in individuals affected with PDGFRB-related conditions and no experimental evidence demonstrating its impact on protein function have been reported. ClinVar contains an entry for this variant (Variation ID: 2144767). Based on the evidence outlined above, the variant was classified as uncertain significance.

GeneDx
Classification: Uncertain significance. Last evaluated: 2026-03-04. Review status: criteria provided, single submitter. Criteria: GeneDx Variant Classification Process June 2021. Collection method: clinical testing. Allele origin: germline.
Comment: In silico analysis supports that this missense variant has a deleterious effect on protein structure/function; Has not been previously published as pathogenic or benign to our knowledge

Ambry Genetics
Classification: Uncertain significance for Inborn genetic diseases. Last evaluated: 2023-09-22. Review status: criteria provided, single submitter. Criteria: Ambry Variant Classification Scheme 2023. Collection method: clinical testing. Allele origin: germline.

Labcorp Genetics (formerly Invitae), Labcorp
Classification: Likely benign for Basal ganglia calcification, idiopathic, 4; Skeletal overgrowth-craniofacial dysmorphism-hyperelastic skin-white matter lesions syndrome; Infantile myofibromatosis; Acroosteolysis-keloid-like lesions-premature aging syndrome. Last evaluated: 2022-11-22. Review status: criteria provided, single submitter. Criteria: Invitae Variant Classification Sherloc (09022015). Collection method: clinical testing. Allele origin: germline.

PreventionGenetics, part of Exact Sciences
Classification: Uncertain significance for PDGFRB-related condition. Last evaluated: 2024-03-01. Review status: no assertion criteria provided. Collection method: clinical testing. Allele origin: germline. Not counted in ClinVar's aggregate classification.
Comment: The PDGFRB c.542G>C variant is predicted to result in the amino acid substitution p.Gly181Ala. To our knowledge, this variant has not been reported in the literature. This variant is reported in 0.0026% of alleles in individuals of European (Non-Finnish) descent in gnomAD. At this time, the clinical significance of this variant is uncertain due to the absence of conclusive functional and genetic evidence.

NM_002609.4(PDGFRB):c.542G>C (p.Gly181Ala)

Gene: PDGFRB (platelet derived growth factor receptor beta; minus strand). Cytogenetic location: 5q32.
Variant type: single nucleotide variant.
Coding change: c.542G>C on transcript NM_002609.4 (MANE Select); coding-DNA position 542, G replaced by C.
Protein change: p.Gly181Ala; replaces glycine 181 with alanine.
Molecular consequence: missense variant.
Genome position (GRCh38, 1-based): chr5:150,134,839, C>G on the plus strand (G>C on the coding strand, the complement: PDGFRB is on the minus strand). VCF-style: chr5-150134839-C-G. GRCh37 (hg19) VCF-style: chr5-149514402-C-G.
Other names: c.350G>C, p.Gly117Ala (NM_001355016.2); c.25G>C, p.Val9Leu (NM_001355017.2); c.542G>C (NM_002609.3); short protein forms G117A, V9L, G181A.
Identifiers: ClinVar variation 2144767 (VCV002144767.9), dbSNP rs771234317, ClinGen allele CA3508286.
Genomic context (GRCh38, chr5:150,134,839, plus strand): 5'-GAATCCACCTCCCTGTCCCCAATGGTGGTTTTGCAGATGTAGCTTCTGTCCTCAAAGATA[C>G]CAGAAAAGCCACGTTGGTGATCATAGGGGACAGGCAGTGCAACGTCCCCTTTCTTCTCGT-3'
Protein context (NP_002600.1, residues 171-191): VPYDHQRGFS[Gly181Ala]IFEDRSYICK